The following is an entry in ClinVar:

ClinVar aggregate classification (germline): Uncertain significance (1 of 4 stars; one submission).

Conditions:
Mendelian susceptibility to mycobacterial diseases due to complete IL12B deficiency. Also called: Immunodeficiency 29; IL12B DEFICIENCY. Identifiers: Orphanet 319558, MedGen C4013948, MONDO:0013954, OMIM 614890.

Allele frequency attached by ClinVar (database versions not stated): gnomAD 0.00001; TOPMed 0.00002; gnomAD exomes 0.00003; ESP Exome Variant Server 0.00008.
gnomAD v4.1: 45 of 1,613,930 alleles (0.0028%); highest among the groups gnomAD compares: Middle Eastern, 0.016%; no homozygotes.

Submission:

Labcorp Genetics (formerly Invitae), Labcorp
Classification: Uncertain significance for Mendelian susceptibility to mycobacterial diseases due to complete IL12B deficiency. Last evaluated: 2021-07-02. Review status: criteria provided, single submitter. Criteria: Invitae Variant Classification Sherloc (09022015). Collection method: clinical testing. Allele origin: germline.
Comment: In summary, the available evidence is currently insufficient to determine the role of this variant in disease. Therefore, it has been classified as a Variant of Uncertain Significance. Algorithms developed to predict the effect of missense changes on protein structure and function are either unavailable or do not agree on the potential impact of this missense change (SIFT: "Tolerated"; PolyPhen-2: "Probably Damaging"; Align-GVGD: "Class C0"). This variant has not been reported in the literature in individuals affected with IL12B-related conditions. This variant is not present in population databases (ExAC no frequency). This sequence change replaces aspartic acid with tyrosine at codon 292 of the IL12B protein (p.Asp292Tyr). The aspartic acid residue is weakly conserved and there is a large physicochemical difference between aspartic acid and tyrosine.

NM_002187.3(IL12B):c.874G>T (p.Asp292Tyr)

Gene: IL12B (interleukin 12B; minus strand). Cytogenetic location: 5q33.3.
Variant type: single nucleotide variant.
Coding change: c.874G>T on transcript NM_002187.3 (MANE Select); coding-DNA position 874, G replaced by T.
Protein change: p.Asp292Tyr; replaces aspartic acid 292 with tyrosine.
Molecular consequence: missense variant.
Genome position (GRCh38, 1-based): chr5:159,316,798, C>A on the plus strand (G>T on the coding strand, the complement: IL12B is on the minus strand). VCF-style: chr5-159316798-C-A. GRCh37 (hg19) VCF-style: chr5-158743806-C-A.
Other names: short protein forms D292Y.
Identifiers: ClinVar variation 1478026 (VCV001478026.7), dbSNP rs150030340, ClinGen allele CA129823900.